The following is an entry in ClinVar:

NM_000988.5(RPL27):c.232A>T (p.Asn78Tyr)

Gene: RPL27 (ribosomal protein L27; plus strand). Cytogenetic location: 17q21.31.
Variant type: single nucleotide variant.
Coding change: c.232A>T on transcript NM_000988.5 (MANE Select); coding-DNA position 232, A replaced by T.
Protein change: p.Asn78Tyr; replaces asparagine 78 with tyrosine.
Molecular consequence: missense variant.
Genome position (GRCh38, 1-based): chr17:43,000,083, A>T. VCF-style: chr17-43000083-A-T. GRCh37 (hg19) VCF-style: chr17-41152100-A-T.
Other names: c.232A>T, p.Asn78Tyr (NM_001349921.2, NM_001349922.2); short protein forms N78Y.
Identifiers: ClinVar variation 4807999 (VCV004807999.1).

ClinVar aggregate classification (germline): Uncertain significance (1 of 4 stars; one submission).

gnomAD v4.1: 3 of 1,612,646 alleles (0.00019%); highest among the groups gnomAD compares: Non-Finnish European, 0.00025%; no homozygotes.

Submission:

Labcorp Genetics (formerly Invitae), Labcorp
Classification: Uncertain significance. Last evaluated: 2026-01-04. Review status: criteria provided, single submitter. Criteria: Invitae Variant Classification Sherloc (09022015). Collection method: clinical testing. Allele origin: germline.
Comment: This sequence change replaces asparagine, which is neutral and polar, with tyrosine, which is neutral and polar, at codon 78 of the RPL27 protein (p.Asn78Tyr). This variant is present in population databases (no rsID available, gnomAD 0.007%). This variant has not been reported in the literature in individuals affected with RPL27-related conditions. An algorithm developed to predict the effect of missense changes on protein structure and function (PolyPhen-2) suggests that this variant is likely to be disruptive. In summary, the available evidence is currently insufficient to determine the role of this variant in disease. Therefore, it has been classified as a Variant of Uncertain Significance.